The following is an entry in ClinVar:

ClinVar aggregate classification (germline): Uncertain significance. Review status: criteria provided, multiple submitters, no conflicts (2 of 4 stars). 2 submissions from 2 submitters: Uncertain significance (2). Last evaluated 2023-09-23.

Conditions:
Hereditary cancer-predisposing syndrome. Also called: Neoplastic Syndromes, Hereditary; Tumor predisposition; Hereditary Cancer Syndrome; Hereditary neoplastic syndrome. Identifiers: Orphanet 140162, MedGen C0027672, MeSH D009386, MONDO:0015356.

Submissions (2):

Labcorp Genetics (formerly Invitae), Labcorp
Classification: Uncertain significance. Last evaluated: 2023-09-23. Review status: criteria provided, single submitter. Criteria: Invitae Variant Classification Sherloc (09022015). Collection method: clinical testing. Allele origin: germline.
Comment: This sequence change replaces histidine, which is basic and polar, with proline, which is neutral and non-polar, at codon 59 of the CTNNA1 protein (p.His59Pro). This variant is not present in population databases (gnomAD no frequency). This variant has not been reported in the literature in individuals affected with CTNNA1-related conditions. ClinVar contains an entry for this variant (Variation ID: 1779746). Advanced modeling of protein sequence and biophysical properties (such as structural, functional, and spatial information, amino acid conservation, physicochemical variation, residue mobility, and thermodynamic stability) performed at Invitae indicates that this missense variant is not expected to disrupt CTNNA1 protein function. In summary, the available evidence is currently insufficient to determine the role of this variant in disease. Therefore, it has been classified as a Variant of Uncertain Significance.

Ambry Genetics
Classification: Uncertain significance for Hereditary cancer-predisposing syndrome. Last evaluated: 2022-04-24. Review status: criteria provided, single submitter. Criteria: Ambry Variant Classification Scheme 2023. Collection method: clinical testing. Allele origin: germline.
Comment: The p.H59P variant (also known as c.176A>C), located in coding exon 2 of the CTNNA1 gene, results from an A to C substitution at nucleotide position 176. The histidine at codon 59 is replaced by proline, an amino acid with similar properties. This amino acid position is conserved. In addition, this alteration is predicted to be deleterious by in silico analysis. Since supporting evidence is limited at this time, the clinical significance of this alteration remains unclear.

NM_001903.5(CTNNA1):c.176A>C (p.His59Pro)

Gene: CTNNA1 (catenin alpha 1; plus strand). Cytogenetic location: 5q31.2.
Variant type: single nucleotide variant.
Coding change: c.176A>C on transcript NM_001903.5 (MANE Select); coding-DNA position 176, A replaced by C.
Protein change: p.His59Pro; replaces histidine 59 with proline.
Molecular consequence: missense variant. On other transcripts: 5 prime UTR variant (1), intron variant (1).
Genome position (GRCh38, 1-based): chr5:138,783,247, A>C. VCF-style: chr5-138783247-A-C. GRCh37 (hg19) VCF-style: chr5-138118936-A-C.
Other names: c.176A>C, p.His59Pro (NM_001290307.3, NM_001323982.2, NM_001323983.1 and 3 more transcripts); c.-31A>C (NM_001290310.3); c.-9+1218A>C (NM_001290309.3); short protein forms H59P.
Identifiers: ClinVar variation 1779746 (VCV001779746.5), dbSNP rs375006246, ClinGen allele CA361477409.